The following is an entry in ClinVar:

NM_001849.4(COL6A2):c.2365T>C (p.Phe789Leu)

Gene: COL6A2 (collagen type VI alpha 2 chain; plus strand). Cytogenetic location: 21q22.3.
Variant type: single nucleotide variant.
Coding change: c.2365T>C on transcript NM_001849.4 (MANE Select); coding-DNA position 2365, T replaced by C.
Protein change: p.Phe789Leu; replaces phenylalanine 789 with leucine.
Molecular consequence: missense variant.
Genome position (GRCh38, 1-based): chr21:46,126,180, T>C. VCF-style: chr21-46126180-T-C. GRCh37 (hg19) VCF-style: chr21-47546094-T-C.
Other names: c.2365T>C, p.Phe789Leu (NM_058174.3, NM_058175.3); short protein forms F789L.
Identifiers: ClinVar variation 2692874 (VCV002692874.3), dbSNP rs2517018673, ClinGen allele CA410542799.

ClinVar aggregate classification (germline): Uncertain significance (1 of 4 stars; one submission).

Conditions:
Bethlem myopathy 1A. Also called: MYOPATHY, BENIGN CONGENITAL, WITH CONTRACTURES; Bethlem myopathy 1; Bethlem Muscular Dystrophy. Identifiers: Orphanet 610, MedGen CN029274, MONDO:0024530, OMIM 158810.

Submission:

Labcorp Genetics (formerly Invitae), Labcorp
Classification: Uncertain significance for Bethlem myopathy 1A. Last evaluated: 2023-11-09. Review status: criteria provided, single submitter. Criteria: Invitae Variant Classification Sherloc (09022015). Collection method: clinical testing. Allele origin: germline.
Comment: This sequence change replaces phenylalanine, which is neutral and non-polar, with leucine, which is neutral and non-polar, at codon 789 of the COL6A2 protein (p.Phe789Leu). This variant is not present in population databases (gnomAD no frequency). This variant has not been reported in the literature in individuals affected with COL6A2-related conditions. Advanced modeling of protein sequence and biophysical properties (such as structural, functional, and spatial information, amino acid conservation, physicochemical variation, residue mobility, and thermodynamic stability) performed at Invitae indicates that this missense variant is expected to disrupt COL6A2 protein function with a positive predictive value of 80%. In summary, the available evidence is currently insufficient to determine the role of this variant in disease. Therefore, it has been classified as a Variant of Uncertain Significance.